The following is an entry in ClinVar:

NM_032485.6(MCM8):c.89A>C (p.Lys30Thr)

Gene: MCM8 (minichromosome maintenance 8 homologous recombination repair factor; plus strand). Cytogenetic location: 20p12.3.
Variant type: single nucleotide variant.
Coding change: c.89A>C on transcript NM_032485.6 (MANE Select); coding-DNA position 89, A replaced by C.
Protein change: p.Lys30Thr; replaces lysine 30 with threonine.
Molecular consequence: missense variant.
Genome position (GRCh38, 1-based): chr20:5,952,104, A>C. VCF-style: chr20-5952104-A-C. GRCh37 (hg19) VCF-style: chr20-5932750-A-C.
Other names: c.89A>C, p.Lys30Thr (NM_001281520.2, NM_001281521.2, NM_001281522.2 and 1 more transcripts); short protein forms K30T.
Identifiers: ClinVar variation 812132 (VCV000812132.1), dbSNP rs906306910, ClinGen allele CA311211082.
Genomic context (GRCh38, chr20:5,952,104, plus strand): 5'-TTGGACGAGGAAGATTTCAAAGCTGGAAAAGGGGAAGAGGTGGTGGGAACTTCTCAGGAA[A>C]ATGGAGAGAAAGAGAACACAGACCTGATCTGAGTAAAACCACAGGAAAACGTACTTCTGG-3'
Protein context (NP_115874.3, residues 20-40): RGRGGGNFSG[Lys30Thr]WREREHRPDL

ClinVar aggregate classification (germline): Uncertain significance (1 of 4 stars; one submission).

Conditions:
Premature ovarian failure 10 (POF10). Identifiers: MedGen C4225402, MONDO:0044776, OMIM 612885.

Allele frequency attached by ClinVar (database versions not stated): TOPMed 0.00001; gnomAD 0.00002 and 0.00003.
gnomAD v4.1: 23 of 1,614,128 alleles (0.0014%); highest among the groups gnomAD compares: Middle Eastern, 0.033%; no homozygotes.

Submission:

Lupski Lab, Baylor-Hopkins CMG, Baylor College of Medicine
Classification: Uncertain significance for Premature ovarian failure 10. Last evaluated: 2019-04-22. Review status: criteria provided, single submitter. Criteria: Jolly et al. (J Clin Endocrinol Metab. 2019). Collection method: research. Allele origin: inherited, unknown. Inheritance: Autosomal recessive inheritance. Affected: yes and no. Observed: 3 variant alleles, 1 heterozygote, 2 compound heterozygotes. Clinical features observed: Hypergonadotropic hypogonadism (HP:0000815), Osteoporosis (HP:0000939).
Comment: This variant was found in compound heterozygosity with the c.1330A>G.